The following is an entry in ClinVar:

NM_178822.5(IGSF10):c.6967G>A (p.Val2323Met)

Gene: IGSF10 (immunoglobulin superfamily member 10; minus strand). Cytogenetic location: 3q25.1.
Variant type: single nucleotide variant.
Coding change: c.6967G>A on transcript NM_178822.5 (MANE Select); coding-DNA position 6967, G replaced by A.
Protein change: p.Val2323Met; replaces valine 2323 with methionine.
Molecular consequence: missense variant.
Genome position (GRCh38, 1-based): chr3:151,437,594, C>T on the plus strand (G>A on the coding strand, the complement: IGSF10 is on the minus strand). VCF-style: chr3-151437594-C-T. GRCh37 (hg19) VCF-style: chr3-151155382-C-T.
Other names: c.6967G>A, p.Val2323Met (NM_001385063.1, NM_001385060.1, NM_001385061.1 and 1 more transcripts); c.904G>A, p.Val302Met (NM_001178145.3, NM_001178146.3); c.6967G>A (NM_178822.4); short protein forms V2323M, V302M.
Identifiers: ClinVar variation 2419163 (VCV002419163.12), dbSNP rs774302298, ClinGen allele CA2669404.

ClinVar aggregate classification (germline): Conflicting classifications of pathogenicity. Review status: criteria provided, conflicting classifications (1 of 4 stars). 3 submissions from 3 submitters: Uncertain significance (2); Likely benign (1). Last evaluated 2025-12-01.

Allele frequency attached by ClinVar (database versions not stated): ExAC 0.00001; gnomAD 0.00003; TOPMed 0.00003; gnomAD exomes 0.00004.
gnomAD v4.1: 70 of 1,614,086 alleles (0.0043%); highest among the groups gnomAD compares: East Asian, 0.0089%; no homozygotes.

Submissions (3):

CeGaT Center for Human Genetics Tuebingen
Classification: Likely benign. Last evaluated: 2025-12-01. Review status: criteria provided, single submitter. Criteria: CeGaT Center For Human Genetics Tuebingen Variant Classification Criteria Version 2. Collection method: clinical testing. Allele origin: germline. Affected: yes. Observed: 1 variant allele.
Comment: IGSF10: BP4

Labcorp Genetics (formerly Invitae), Labcorp
Classification: Uncertain significance. Last evaluated: 2023-08-04. Review status: criteria provided, single submitter. Criteria: Invitae Variant Classification Sherloc (09022015). Collection method: clinical testing. Allele origin: germline.
Comment: This sequence change replaces valine, which is neutral and non-polar, with methionine, which is neutral and non-polar, at codon 2323 of the IGSF10 protein (p.Val2323Met). This variant is present in population databases (rs774302298, gnomAD 0.007%). This variant has not been reported in the literature in individuals affected with IGSF10-related conditions. ClinVar contains an entry for this variant (Variation ID: 2419163). Algorithms developed to predict the effect of missense changes on protein structure and function output the following: SIFT: "Not Available"; PolyPhen-2: "Benign"; Align-GVGD: "Not Available". The methionine amino acid residue is found in multiple mammalian species, which suggests that this missense change does not adversely affect protein function. In summary, the available evidence is currently insufficient to determine the role of this variant in disease. Therefore, it has been classified as a Variant of Uncertain Significance.

Ambry Genetics
Classification: Uncertain significance. Last evaluated: 2021-09-27. Review status: criteria provided, single submitter. Criteria: Ambry Variant Classification Scheme 2023. Collection method: clinical testing. Allele origin: germline.